The following is an entry in ClinVar:

NM_000981.4(RPL19):c.46_47delinsAT (p.Arg16Ile)

Gene: RPL19 (ribosomal protein L19; plus strand). Cytogenetic location: 17q12.
Variant type: Indel.
Coding change: c.46_47delinsAT on transcript NM_000981.4 (MANE Select); coding-DNA positions 46 to 47, CG replaced by AT.
Protein change: p.Arg16Ile; replaces arginine 16 with isoleucine.
Molecular consequence: missense variant.
Genome position (GRCh38, 1-based): chr17:39,201,253-39,201,254, CG replaced by AT. VCF-style: chr17-39201253-CG-AT. GRCh37 (hg19) VCF-style: chr17-37357506-CG-AT.
Other names: c.40_41delinsAT, p.Arg14Ile (NM_001330200.1); short protein forms R14I, R16I.
Identifiers: ClinVar variation 1035189 (VCV001035189.7), dbSNP rs2046286330, ClinGen allele CA2258983809.

ClinVar aggregate classification (germline): Uncertain significance (1 of 4 stars; one submission).

Submission:

Labcorp Genetics (formerly Invitae), Labcorp
Classification: Uncertain significance. Last evaluated: 2020-05-11. Review status: criteria provided, single submitter. Criteria: Invitae Variant Classification Sherloc (09022015). Collection method: clinical testing. Allele origin: germline.
Comment: This variant is not present in population databases (ExAC no frequency). In summary, the available evidence is currently insufficient to determine the role of this variant in disease. Therefore, it has been classified as a Variant of Uncertain Significance. Algorithms developed to predict the effect of missense changes on protein structure and function are either unavailable or do not agree on the potential impact of this missense change (SIFT: "Not Available"; PolyPhen-2: "Benign"; Align-GVGD: "Not Available"). This variant has not been reported in the literature in individuals with RPL19-related conditions. This sequence change replaces arginine with isoleucine at codon 16 of the RPL19 protein (p.Arg16Ile). The arginine residue is moderately conserved and there is a moderate physicochemical difference between arginine and isoleucine.